The following is an entry in ClinVar:

NM_018557.3(LRP1B):c.12790G>A (p.Val4264Ile)

Gene: LRP1B (LDL receptor related protein 1B; minus strand). Cytogenetic location: 2q22.1.
Variant type: single nucleotide variant.
Coding change: c.12790G>A on transcript NM_018557.3 (MANE Select); coding-DNA position 12790, G replaced by A.
Protein change: p.Val4264Ile; replaces valine 4264 with isoleucine.
Molecular consequence: missense variant.
Genome position (GRCh38, 1-based): chr2:140,314,950, C>T on the plus strand (G>A on the coding strand, the complement: LRP1B is on the minus strand). VCF-style: chr2-140314950-C-T. GRCh37 (hg19) VCF-style: chr2-141072519-C-T.
Other names: short protein forms V4264I.
Identifiers: ClinVar variation 3041230 (VCV003041230.2), dbSNP rs17386226, ClinGen allele CA1892730.

ClinVar aggregate classification (germline): Likely benign (0 of 4 stars; one submission).

Conditions:
LRP1B-related disorder. Also called: LRP1B-related condition.

Allele frequency attached by ClinVar (database versions not stated): 1000 Genomes Project 0.00040; 1000 Genomes Project 30x 0.00047.
gnomAD v4.1: 252 of 1,603,940 alleles (0.016%); highest among the groups gnomAD compares: South Asian, 0.18%; 3 homozygotes.

Submission:

PreventionGenetics, part of Exact Sciences
Classification: Likely benign for LRP1B-related condition. Last evaluated: 2019-02-28. Review status: no assertion criteria provided. Collection method: clinical testing. Allele origin: germline.
Comment: This variant is classified as likely benign based on ACMG/AMP sequence variant interpretation guidelines (Richards et al. 2015 PMID: 25741868, with internal and published modifications).